The following is an entry in ClinVar:

ClinVar aggregate classification (germline): Uncertain significance. Review status: criteria provided, multiple submitters, no conflicts (2 of 4 stars). 2 submissions from 2 submitters: Uncertain significance (2). Last evaluated 2024-10-07.

Conditions:
Microcephaly-intellectual disability-sensorineural hearing loss-epilepsy-abnormal muscle tone syndrome (NEDHSB). Also called: NEURODEVELOPMENTAL DISORDER WITH HEARING LOSS, SEIZURES, AND BRAIN ABNORMALITIES. Identifiers: Orphanet 457351, MedGen C4225276, MONDO:0014698, OMIM 616577.
Inborn genetic diseases. Identifiers: MedGen C0950123, MeSH D030342.

Allele frequency attached by ClinVar (database versions not stated): gnomAD exomes below 0.00001; ExAC 0.00001.
gnomAD v4.1: 5 of 1,613,404 alleles (0.00031%); highest among the groups gnomAD compares: Admixed American, 0.0033%; no homozygotes.

Submissions (2):

Labcorp Genetics (formerly Invitae), Labcorp
Classification: Uncertain significance for Microcephaly-intellectual disability-sensorineural hearing loss-epilepsy-abnormal muscle tone syndrome. Last evaluated: 2024-10-07. Review status: criteria provided, single submitter. Criteria: Invitae Variant Classification Sherloc (09022015). Collection method: clinical testing. Allele origin: germline.
Comment: This sequence change replaces isoleucine, which is neutral and non-polar, with valine, which is neutral and non-polar, at codon 82 of the SPATA5 protein (p.Ile82Val). This variant is present in population databases (rs777343800, gnomAD 0.007%). This variant has not been reported in the literature in individuals affected with SPATA5-related conditions. ClinVar contains an entry for this variant (Variation ID: 2181008). Invitae Evidence Modeling of protein sequence and biophysical properties (such as structural, functional, and spatial information, amino acid conservation, physicochemical variation, residue mobility, and thermodynamic stability) has been performed for this missense variant. However, the output from this modeling did not meet the statistical confidence thresholds required to predict the impact of this variant on SPATA5 protein function. In summary, the available evidence is currently insufficient to determine the role of this variant in disease. Therefore, it has been classified as a Variant of Uncertain Significance.

Ambry Genetics
Classification: Uncertain significance for Inborn genetic diseases. Last evaluated: 2021-09-27. Review status: criteria provided, single submitter. Criteria: Ambry Variant Classification Scheme 2023. Collection method: clinical testing. Allele origin: germline.

NM_145207.3(AFG2A):c.244A>G (p.Ile82Val)

Gene: AFG2A (AAA ATPase AFG2A; plus strand). Cytogenetic location: 4q28.1.
Variant type: single nucleotide variant.
Coding change: c.244A>G on transcript NM_145207.3 (MANE Select); coding-DNA position 244, A replaced by G.
Protein change: p.Ile82Val; replaces isoleucine 82 with valine.
Molecular consequence: missense variant.
Genome position (GRCh38, 1-based): chr4:122,927,714, A>G. VCF-style: chr4-122927714-A-G. GRCh37 (hg19) VCF-style: chr4-123848869-A-G.
Other names: c.241A>G, p.Ile81Val (NM_001317799.2, NM_001345856.2); c.244A>G (NM_145207.2); short protein forms I82V, I81V.
Identifiers: ClinVar variation 2181008 (VCV002181008.4), dbSNP rs777343800, ClinGen allele CA3070164.
Genomic context (GRCh38, chr4:122,927,714, plus strand): 5'-ACATTCCAGAATTCCCTTATTCATCTTGGACTCAACACTATGAAGTCTGCAAATATATGT[A>G]TAGGTCGACCAGTGTTGCTTACTAGTTTGAACGGAAAGCAAGAGGTAAGAGTCTTTTTCA-3'
Protein context (NP_660208.2, residues 72-92): LNTMKSANIC[Ile82Val]GRPVLLTSLN